The following is an entry in ClinVar:

NM_152309.3(PIK3AP1):c.875A>T (p.Tyr292Phe)

Gene: PIK3AP1 (phosphoinositide-3-kinase adaptor protein 1; minus strand). Cytogenetic location: 10q24.1.
Variant type: single nucleotide variant.
Coding change: c.875A>T on transcript NM_152309.3 (MANE Select); coding-DNA position 875, A replaced by T.
Protein change: p.Tyr292Phe; replaces tyrosine 292 with phenylalanine.
Molecular consequence: missense variant.
Genome position (GRCh38, 1-based): chr10:96,651,361, T>A on the plus strand (A>T on the coding strand, the complement: PIK3AP1 is on the minus strand). VCF-style: chr10-96651361-T-A. GRCh37 (hg19) VCF-style: chr10-98411118-T-A.
Other names: c.875A>T (NM_152309.2); short protein forms Y292F.
Identifiers: ClinVar variation 1060242 (VCV001060242.9), dbSNP rs903471733, ClinGen allele CA212589816.

ClinVar aggregate classification (germline): Uncertain significance. Review status: criteria provided, multiple submitters, no conflicts (2 of 4 stars). 2 submissions from 2 submitters: Uncertain significance (2). Last evaluated 2025-10-23.

Conditions:
Infantile spasms. Also called: Infantile spasm. Identifiers: MedGen C3887898, HP:0012469.

Allele frequency attached by ClinVar (database versions not stated): gnomAD 0.00001.
gnomAD v4.1: 4 of 1,614,096 alleles (0.00025%); highest among the groups gnomAD compares: Admixed American, 0.0067%; no homozygotes.

Submissions (2):

Ambry Genetics
Classification: Uncertain significance. Last evaluated: 2025-10-23. Review status: criteria provided, single submitter. Criteria: Ambry Variant Classification Scheme 2023. Collection method: clinical testing. Allele origin: germline.

Labcorp Genetics (formerly Invitae), Labcorp
Classification: Uncertain significance for Infantile spasms. Last evaluated: 2024-03-04. Review status: criteria provided, single submitter. Criteria: Invitae Variant Classification Sherloc (09022015). Collection method: clinical testing. Allele origin: germline.
Comment: This sequence change replaces tyrosine, which is neutral and polar, with phenylalanine, which is neutral and non-polar, at codon 292 of the PIK3AP1 protein (p.Tyr292Phe). This variant is not present in population databases (gnomAD no frequency). This variant has not been reported in the literature in individuals affected with PIK3AP1-related conditions. ClinVar contains an entry for this variant (Variation ID: 1060242). An algorithm developed to predict the effect of missense changes on protein structure and function (PolyPhen-2) suggests that this variant is likely to be disruptive. In summary, the available evidence is currently insufficient to determine the role of this variant in disease. Therefore, it has been classified as a Variant of Uncertain Significance.